The following is an entry in ClinVar:

NM_001851.6(COL9A1):c.2470C>A (p.Pro824Thr)

Gene: COL9A1 (collagen type IX alpha 1 chain; minus strand). Cytogenetic location: 6q13.
Variant type: single nucleotide variant.
Coding change: c.2470C>A on transcript NM_001851.6 (MANE Select); coding-DNA position 2470, C replaced by A.
Protein change: p.Pro824Thr; replaces proline 824 with threonine.
Molecular consequence: missense variant. On other transcripts: non-coding transcript variant (1).
Genome position (GRCh38, 1-based): chr6:70,232,616, G>T on the plus strand (C>A on the coding strand, the complement: COL9A1 is on the minus strand). VCF-style: chr6-70232616-G-T. GRCh37 (hg19) VCF-style: chr6-70942319-G-T.
Other names: c.1771C>A, p.Pro591Thr (NM_001377289.1); c.1594C>A, p.Pro532Thr (NM_001377290.1); c.1741C>A, p.Pro581Thr (NM_078485.4); short protein forms P824T, P581T, P532T, P591T.
Identifiers: ClinVar variation 258359 (VCV000258359.17), dbSNP rs34119578, ClinGen allele CA3881763.

ClinVar aggregate classification (germline): Benign/Likely benign. Review status: criteria provided, multiple submitters, no conflicts (2 of 4 stars). 7 submissions from 7 submitters: Benign (5); Likely benign (2). Last evaluated 2026-05-11.

Conditions:
Connective tissue disorder. Also called: Connective tissue disease. Identifiers: MedGen C0009782, MONDO:0003900.
Epiphyseal dysplasia, multiple, 6. Also called: COL9A1-Related Multiple Epiphyseal Dysplasia. Identifiers: MedGen C2675767, MONDO:0013591, OMIM 614135.
Stickler syndrome, type 4 (STL4). Identifiers: Orphanet 250984, Orphanet 828, MedGen C3279941, MONDO:0013590, OMIM 614134.

Allele frequency attached by ClinVar (database versions not stated): gnomAD 0.01848 and 0.01708; ESP Exome Variant Server 0.02137; ExAC 0.00558; 1000 Genomes Project 30x 0.01780; TOPMed 0.01867; 1000 Genomes Project 0.01697.
gnomAD v4.1: 5,310 of 1,614,014 alleles (0.33%); highest among the groups gnomAD compares: African/African-American, 6%; 148 homozygotes.

Submissions (7):

Women's Health and Genetics/Laboratory Corporation of America, LabCorp
Classification: Likely benign. Last evaluated: 2026-05-11. Review status: criteria provided, single submitter. Criteria: LabCorp Variant Classification Summary - May 2015. Collection method: clinical testing. Allele origin: germline.

Labcorp Genetics (formerly Invitae), Labcorp
Classification: Benign. Last evaluated: 2026-02-03. Review status: criteria provided, single submitter. Criteria: Invitae Variant Classification Sherloc (09022015). Collection method: clinical testing. Allele origin: germline.

Genome Diagnostics Laboratory, The Hospital for Sick Children
Classification: Benign for Connective tissue disorder. Last evaluated: 2022-02-04. Review status: criteria provided, single submitter. Criteria: ACMG Guidelines, 2015. Collection method: clinical testing. Allele origin: germline.

Fulgent Genetics
Classification: Likely benign for Stickler syndrome, type 4; Epiphyseal dysplasia, multiple, 6. Last evaluated: 2021-10-25. Review status: criteria provided, single submitter. Criteria: ACMG Guidelines, 2015. Collection method: clinical testing. Allele origin: unknown.

Athena Diagnostics
Classification: Benign. Last evaluated: 2018-11-12. Review status: criteria provided, single submitter. Criteria: Athena Diagnostics Criteria. Collection method: clinical testing. Allele origin: germline.

GeneDx
Classification: Benign. Last evaluated: 2016-12-21. Review status: criteria provided, single submitter. Criteria: GeneDx Variant Classification (06012015). Collection method: clinical testing. Allele origin: germline. Affected: yes.
Comment: This variant is considered likely benign or benign based on one or more of the following criteria: it is a conservative change, it occurs at a poorly conserved position in the protein, it is predicted to be benign by multiple in silico algorithms, and/or has population frequency not consistent with disease.

PreventionGenetics, part of Exact Sciences
Classification: Benign. Review status: criteria provided, single submitter. Criteria: ACMG Guidelines, 2015. Collection method: clinical testing. Allele origin: germline.